The following is an entry in ClinVar:

NM_198252.3(GSN):c.1325+6G>C

Gene: GSN (gelsolin; plus strand). Cytogenetic location: 9q33.2.
Variant type: single nucleotide variant.
Coding change: c.1325+6G>C on transcript NM_198252.3 (MANE Select); 6 bases into the intron after coding-DNA position 1325, G replaced by C.
Molecular consequence: intron variant.
Genome position (GRCh38, 1-based): chr9:121,321,407, G>C. VCF-style: chr9-121321407-G-C. GRCh37 (hg19) VCF-style: chr9-124083685-G-C.
Other names: c.1325+6G>C (NM_001353054.1, NM_001353053.1, NM_001353060.2 and 10 more transcripts); c.1358+6G>C (NM_001353064.2, NM_001353066.2, NM_001353073.2 and 13 more transcripts); c.1433+6G>C (NM_001127663.2); c.1397+6G>C (NM_001353076.2); c.671+6G>C (NM_001353078.2); c.1376+6G>C (NM_001258029.2); c.1349+6G>C (NM_001258030.2); c.1478+6G>C (NM_000177.5).
Identifiers: ClinVar variation 4776548 (VCV004776548.1).

ClinVar aggregate classification (germline): Uncertain significance (1 of 4 stars; one submission).

Submission:

Labcorp Genetics (formerly Invitae), Labcorp
Classification: Uncertain significance. Last evaluated: 2025-03-09. Review status: criteria provided, single submitter. Criteria: Invitae Variant Classification Sherloc (09022015). Collection method: clinical testing. Allele origin: germline.
Comment: This sequence change falls in intron 10 of the GSN gene. It does not directly change the encoded amino acid sequence of the GSN protein. It affects a nucleotide within the consensus splice site. This variant is not present in population databases (gnomAD no frequency). This variant has not been reported in the literature in individuals affected with GSN-related conditions. Variants that disrupt the consensus splice site are a relatively common cause of aberrant splicing (PMID: 17576681, 9536098). Algorithms developed to predict the effect of sequence changes on RNA splicing suggest that this variant is not likely to affect RNA splicing. In summary, the available evidence is currently insufficient to determine the role of this variant in disease. Therefore, it has been classified as a Variant of Uncertain Significance.

Literature cited by the submitters: PubMed 17576681; PubMed 9536098.